The following is an entry in ClinVar:

NM_001103.4(ACTN2):c.526T>C (p.Phe176Leu)

Gene: ACTN2 (actinin alpha 2; plus strand). Cytogenetic location: 1q43.
Variant type: single nucleotide variant.
Coding change: c.526T>C on transcript NM_001103.4 (MANE Select); coding-DNA position 526, T replaced by C.
Protein change: p.Phe176Leu; replaces phenylalanine 176 with leucine.
Molecular consequence: missense variant. On other transcripts: non-coding transcript variant (1).
Genome position (GRCh38, 1-based): chr1:236,726,010, T>C. VCF-style: chr1-236726010-T-C. GRCh37 (hg19) VCF-style: chr1-236889310-T-C.
Other names: c.526T>C, p.Phe176Leu (NM_001278343.2); short protein forms F176L.
Identifiers: ClinVar variation 3749139 (VCV003749139.2).

ClinVar aggregate classification (germline): Uncertain significance (1 of 4 stars; one submission).

Conditions:
Primary familial hypertrophic cardiomyopathy (HCM). Identifiers: Orphanet 99739, MedGen C0949658, MeSH D024741, MONDO:0024573. Inheritance: Various modes of inheritance.
Dilated cardiomyopathy 1AA (CMD1AA). Also called: Cardiomyopathy, dilated, 1AA, with or without LVNC; CARDIOMYOPATHY, DILATED, 1AA, WITH OR WITHOUT LEFT VENTRICULAR NONCOMPACTION; CARDIOMYOPATHY, FAMILIAL HYPERTROPHIC, 23, WITH OR WITHOUT LEFT VENTRICULAR NONCOMPACTION. Identifiers: Orphanet 154, MedGen C2677338, MONDO:0012808, OMIM 612158.

Submission:

Labcorp Genetics (formerly Invitae), Labcorp
Classification: Uncertain significance for Primary familial hypertrophic cardiomyopathy; Dilated cardiomyopathy 1AA. Last evaluated: 2024-06-24. Review status: criteria provided, single submitter. Criteria: Invitae Variant Classification Sherloc (09022015). Collection method: clinical testing. Allele origin: germline.
Comment: This sequence change replaces phenylalanine, which is neutral and non-polar, with leucine, which is neutral and non-polar, at codon 176 of the ACTN2 protein (p.Phe176Leu). This variant is not present in population databases (gnomAD no frequency). This variant has not been reported in the literature in individuals affected with ACTN2-related conditions. Advanced modeling of protein sequence and biophysical properties (such as structural, functional, and spatial information, amino acid conservation, physicochemical variation, residue mobility, and thermodynamic stability) performed at Invitae indicates that this missense variant is expected to disrupt ACTN2 protein function with a positive predictive value of 80%. In summary, the available evidence is currently insufficient to determine the role of this variant in disease. Therefore, it has been classified as a Variant of Uncertain Significance.